The following is an entry in ClinVar:

ClinVar aggregate classification (germline): Uncertain significance (1 of 4 stars; one submission).

Submission:

Ambry Genetics
Classification: Uncertain significance. Last evaluated: 2025-09-19. Review status: criteria provided, single submitter. Criteria: Ambry Variant Classification Scheme 2023. Collection method: clinical testing. Allele origin: germline.
Comment: The p.H404R variant (also known as c.1211A>G), located in coding exon 12 of the SRP72 gene, results from an A to G substitution at nucleotide position 1211. The histidine at codon 404 is replaced by arginine, an amino acid with highly similar properties. This amino acid position is conserved. In addition, this alteration is predicted to be tolerated by in silico analysis. Based on the available evidence, the clinical significance of this variant remains unclear.

NM_006947.4(SRP72):c.1211A>G (p.His404Arg)

Gene: SRP72 (signal recognition particle 72; plus strand). Cytogenetic location: 4q12.
Variant type: single nucleotide variant.
Coding change: c.1211A>G on transcript NM_006947.4 (MANE Select); coding-DNA position 1211, A replaced by G.
Protein change: p.His404Arg; replaces histidine 404 with arginine.
Molecular consequence: missense variant. On other transcripts: non-coding transcript variant (1).
Genome position (GRCh38, 1-based): chr4:56,488,000, A>G. VCF-style: chr4-56488000-A-G. GRCh37 (hg19) VCF-style: chr4-57354166-A-G.
Other names: c.1028A>G, p.His343Arg (NM_001267722.2); short protein forms H404R, H343R.
Identifiers: ClinVar variation 4589572 (VCV004589572.1).